The following is an entry in ClinVar:

ClinVar aggregate classification (germline): Likely benign (1 of 4 stars; one submission).

Submission:

CeGaT Center for Human Genetics Tuebingen
Classification: Likely benign. Last evaluated: 2025-08-01. Review status: criteria provided, single submitter. Criteria: CeGaT Center For Human Genetics Tuebingen Variant Classification Criteria Version 2. Collection method: clinical testing. Allele origin: germline. Affected: yes. Observed: 1 variant allele.
Comment: ALK: PM2:Supporting, BP4, BP7

NM_004304.5(ALK):c.2091C>G (p.Thr697=)

Gene: ALK (ALK receptor tyrosine kinase; minus strand). Cytogenetic location: 2p23.2.
Variant type: single nucleotide variant.
Coding change: c.2091C>G on transcript NM_004304.5 (MANE Select); coding-DNA position 2091, C replaced by G.
Protein change: p.Thr697=; no amino-acid change (threonine 697 retained).
Molecular consequence: synonymous variant.
Genome position (GRCh38, 1-based): chr2:29,251,218, G>C on the plus strand (C>G on the coding strand, the complement: ALK is on the minus strand). VCF-style: chr2-29251218-G-C. GRCh37 (hg19) VCF-style: chr2-29474084-G-C.
Identifiers: ClinVar variation 4083903 (VCV004083903.8).